The following is an entry in ClinVar:

NM_000234.3(LIG1):c.1340G>A (p.Ser447Asn)

Gene: LIG1 (DNA ligase 1; minus strand). Cytogenetic location: 19q13.33.
Variant type: single nucleotide variant.
Coding change: c.1340G>A on transcript NM_000234.3 (MANE Select); coding-DNA position 1340, G replaced by A.
Protein change: p.Ser447Asn; replaces serine 447 with asparagine.
Molecular consequence: missense variant. On other transcripts: non-coding transcript variant (6).
Genome position (GRCh38, 1-based): chr19:48,136,117, C>T on the plus strand (G>A on the coding strand, the complement: LIG1 is on the minus strand). VCF-style: chr19-48136117-C-T. GRCh37 (hg19) VCF-style: chr19-48639374-C-T.
Other names: c.1247G>A, p.Ser416Asn (NM_001289063.2); c.1136G>A, p.Ser379Asn (NM_001289064.2); c.1337G>A, p.Ser446Asn (NM_001320970.2); c.1250G>A, p.Ser417Asn (NM_001320971.2); short protein forms S379N, S416N, S417N, S446N, S447N.
Identifiers: ClinVar variation 2413650 (VCV002413650.5), dbSNP rs772907803, ClinGen allele CA9546845.

ClinVar aggregate classification (germline): Uncertain significance (1 of 4 stars; one submission).

Allele frequency attached by ClinVar (database versions not stated): gnomAD exomes below 0.00001; TOPMed 0.00002.

Submission:

Labcorp Genetics (formerly Invitae), Labcorp
Classification: Uncertain significance. Last evaluated: 2023-10-13. Review status: criteria provided, single submitter. Criteria: Invitae Variant Classification Sherloc (09022015). Collection method: clinical testing. Allele origin: germline.
Comment: This sequence change replaces serine, which is neutral and polar, with asparagine, which is neutral and polar, at codon 447 of the LIG1 protein (p.Ser447Asn). This variant is present in population databases (rs772907803, gnomAD 0.002%). This variant has not been reported in the literature in individuals affected with LIG1-related conditions. ClinVar contains an entry for this variant (Variation ID: 2413650). An algorithm developed to predict the effect of missense changes on protein structure and function (PolyPhen-2) suggests that this variant¬†is likely to be tolerated. In summary, the available evidence is currently insufficient to determine the role of this variant in disease. Therefore, it has been classified as a Variant of Uncertain Significance.